The following is an entry in ClinVar:

ClinVar aggregate classification (germline): Uncertain significance (1 of 4 stars; one submission).

Allele frequency attached by ClinVar (database versions not stated): gnomAD exomes 0.00001 and 0.00003; ExAC 0.00002.

Submission:

Labcorp Genetics (formerly Invitae), Labcorp
Classification: Uncertain significance. Last evaluated: 2022-08-15. Review status: criteria provided, single submitter. Criteria: Invitae Variant Classification Sherloc (09022015). Collection method: clinical testing. Allele origin: germline.
Comment: In summary, the available evidence is currently insufficient to determine the role of this variant in disease. Therefore, it has been classified as a Variant of Uncertain Significance. Algorithms developed to predict the effect of missense changes on protein structure and function are either unavailable or do not agree on the potential impact of this missense change (SIFT: "Tolerated"; PolyPhen-2: "Not Available"; Align-GVGD: "Class C0"). ClinVar contains an entry for this variant (Variation ID: 1369429). This variant has not been reported in the literature in individuals affected with PCLO-related conditions. This variant is present in population databases (rs758314664, gnomAD 0.02%). This sequence change replaces proline, which is neutral and non-polar, with serine, which is neutral and polar, at codon 257 of the PCLO protein (p.Pro257Ser).

NM_033026.6(PCLO):c.769C>T (p.Pro257Ser)

Gene: PCLO (piccolo presynaptic cytomatrix protein; minus strand). Cytogenetic location: 7q21.11.
Variant type: single nucleotide variant.
Coding change: c.769C>T on transcript NM_033026.6 (MANE Select); coding-DNA position 769, C replaced by T.
Protein change: p.Pro257Ser; replaces proline 257 with serine.
Molecular consequence: missense variant.
Genome position (GRCh38, 1-based): chr7:83,155,872, G>A on the plus strand (C>T on the coding strand, the complement: PCLO is on the minus strand). VCF-style: chr7-83155872-G-A. GRCh37 (hg19) VCF-style: chr7-82785188-G-A.
Other names: c.769C>T, p.Pro257Ser (NM_014510.3); short protein forms P257S.
Identifiers: ClinVar variation 1369429 (VCV001369429.8), dbSNP rs758314664, ClinGen allele CA4321606.